The following is an entry in ClinVar:

NM_181672.3(OGT):c.907C>T (p.Leu303Phe)

Gene: OGT (O-linked N-acetylglucosamine (GlcNAc) transferase; plus strand). Cytogenetic location: Xq13.1.
Variant type: single nucleotide variant.
Coding change: c.907C>T on transcript NM_181672.3 (MANE Select); coding-DNA position 907, C replaced by T.
Protein change: p.Leu303Phe; replaces leucine 303 with phenylalanine.
Molecular consequence: missense variant.
Genome position (GRCh38, 1-based): chrX:71,555,368, C>T. VCF-style: chrX-71555368-C-T. GRCh37 (hg19) VCF-style: chrX-70775218-C-T.
Other names: c.877C>T, p.Leu293Phe (NM_181673.3); c.907C>T (NM_181672.2); short protein forms L293F, L303F.
Identifiers: ClinVar variation 3777201 (VCV003777201.3).

ClinVar aggregate classification (germline): Uncertain significance. Review status: criteria provided, multiple submitters, no conflicts (2 of 4 stars). 2 submissions from 2 submitters: Uncertain significance (2). Last evaluated 2026-04-12.

Conditions:
Intellectual developmental disorder, X-linked 106. Also called: Intellectual disability, X-linked 106; Mental retardation, X-linked 106. Identifiers: MedGen C4478379, MONDO:0030907, OMIM 300997.

gnomAD v4.1: 4 of 1,210,110 alleles (0.00033%); highest among the groups gnomAD compares: Non-Finnish European, 0.00045%; no homozygotes.

Submissions (2):

GeneDx
Classification: Uncertain significance. Last evaluated: 2026-04-12. Review status: criteria provided, single submitter. Criteria: GeneDx Variant Classification Process June 2021. Collection method: clinical testing. Allele origin: germline.
Comment: Not observed at significant frequency in large population cohorts (gnomAD); In silico analysis supports that this missense variant has a deleterious effect on protein structure/function; Has not been previously published as pathogenic or benign to our knowledge

University of Washington Department of Laboratory Medicine, University of Washington
Classification: Uncertain significance for Intellectual developmental disorder, X-linked 106. Last evaluated: 2023-03-01. Review status: criteria provided, single submitter. Criteria: ACMG Guidelines, 2015. Collection method: clinical testing. Allele origin: maternal. Affected: yes.
Comment: The p.Leu303Phe variant in the OGT gene has not been previously reported in association with disease. This variant was absent from large population databases, including the Genome Aggregation Database. It is located within the TPR domain of the OGT protein. In silico tools do not consistently predict if the p.Leu303Phe variant impacts protein function; however, these predictions have not been tested directly. The OGT gene has fewer missense variants in the general population than expected. A low rate of missense variation may suggest that this gene is intolerant to missense variation. Using ACMG guidelines, this variant was classified as a variant of uncertain significance (ACMG evidence codes used: PM2_supporting, PP2).